The following is an entry in ClinVar:

NM_032830.3(UTP4):c.1308C>T (p.Phe436=)

Gene: UTP4 (UTP4 small subunit processome component). Cytogenetic location: 16q22.1.
Variant type: single nucleotide variant.
Coding change: c.1308C>T on transcript NM_032830.3 (MANE Select); coding-DNA position 1308, C replaced by T.
Protein change: p.Phe436=; no amino-acid change (phenylalanine 436 retained).
Molecular consequence: synonymous variant.
Genome position (GRCh38, 1-based): chr16:69,157,104, C>T. VCF-style: chr16-69157104-C-T. GRCh37 (hg19) VCF-style: chr16-69191007-C-T.
Other names: c.1059C>T, p.Phe353= (NM_001318391.2).
Identifiers: ClinVar variation 885213 (VCV000885213.7), dbSNP rs140221825, ClinGen allele CA8132397.
Genomic context (GRCh38, chr16:69,157,104, plus strand): 5'-TCCCTTCTCTCACTGGCTTTTATTATTGGTTCACCCAAAGGTTTCCAAAATGCCAGCATT[C>T]CTTCGCTCTGCCCTTCAGATTTTGTTTTCTGAAGATTCAACAAAGCTCTTTGTAGCATCA-3'
Protein context (NP_116219.2, residues 426-446): SLKRVSKMPA[Phe436=]LRSALQILFS

ClinVar aggregate classification (germline): Conflicting classifications of pathogenicity. Review status: criteria provided, conflicting classifications (1 of 4 stars). 3 submissions from 3 submitters: Uncertain significance (1); Likely benign (1). 1 of the submissions does not count toward it. Last evaluated 2025-12-28.

Conditions:
Hereditary North American Indian childhood cirrhosis. Identifiers: Orphanet 168583, MedGen C1858051, MONDO:0011497, OMIM 604901.
UTP4-related disorder. Also called: UTP4-related condition.

Allele frequency attached by ClinVar (database versions not stated): 1000 Genomes Project 30x 0.00031; ESP Exome Variant Server 0.00031; TOPMed 0.00034; 1000 Genomes Project 0.00040.
gnomAD v4.1: 546 of 1,614,234 alleles (0.034%); highest among the groups gnomAD compares: Admixed American, 0.068%; no homozygotes.

Submissions (3):

Labcorp Genetics (formerly Invitae), Labcorp
Classification: Likely benign. Last evaluated: 2025-12-28. Review status: criteria provided, single submitter. Criteria: Invitae Variant Classification Sherloc (09022015). Collection method: clinical testing. Allele origin: germline.

Illumina Laboratory Services, Illumina
Classification: Uncertain significance for Hereditary North American Indian childhood cirrhosis. Last evaluated: 2018-01-12. Review status: criteria provided, single submitter. Criteria: ICSL Variant Classification Criteria 13 December 2019. Collection method: clinical testing. Allele origin: germline.

PreventionGenetics, part of Exact Sciences
Classification: Likely benign for UTP4-related condition. Last evaluated: 2021-03-19. Review status: no assertion criteria provided. Collection method: clinical testing. Allele origin: germline. Not counted in ClinVar's aggregate classification.
Comment: This variant is classified as likely benign based on ACMG/AMP sequence variant interpretation guidelines (Richards et al. 2015 PMID: 25741868, with internal and published modifications).